The following is an entry in ClinVar:

ClinVar aggregate classification (germline): Likely pathogenic (1 of 4 stars; one submission).

Conditions:
Anauxetic dysplasia 2 (ANXD2). Identifiers: MedGen C4479357, MONDO:0054561, OMIM 617396.

gnomAD v4.1: 2 of 1,613,912 alleles (0.00012%); highest among the groups gnomAD compares: East Asian, 0.0045%; no homozygotes.

Submission:

Juno Genomics, Hangzhou Juno Genomics, Inc
Classification: Likely pathogenic for Anauxetic dysplasia 2. Review status: criteria provided, single submitter. Criteria: ACMG Guidelines, 2015. Collection method: clinical testing. Allele origin: germline.
Comment: Null variant in a gene where loss of function (LOF) is a known mechanism of disease.;Absent from controls (or at extremely low frequency if recessive) in Genome Aggregation Database.

NM_001145860.2(POP1):c.1239G>A (p.Trp413Ter)

Gene: POP1 (POP1 ribonuclease P/MRP subunit; plus strand). Cytogenetic location: 8q22.2.
Variant type: single nucleotide variant.
Coding change: c.1239G>A on transcript NM_001145860.2 (MANE Select); coding-DNA position 1239, G replaced by A.
Protein change: p.Trp413Ter; replaces tryptophan 413 with a stop codon.
Molecular consequence: nonsense.
Genome position (GRCh38, 1-based): chr8:98,136,709, G>A. VCF-style: chr8-98136709-G-A. GRCh37 (hg19) VCF-style: chr8-99148937-G-A.
Other names: c.1239G>A, p.Trp413Ter (NM_001145861.2, NM_015029.3); short protein forms W413*.
Identifiers: ClinVar variation 5007358 (VCV005007358.2).
Genomic context (GRCh38, chr8:98,136,709, plus strand): 5'-TAAACCAATTAAAAAAATTATCGGTGATGGAACTAGAGATCCATGTCTACCATACTCTTG[G>A]ATCTCTCCAACCACAGGCATTATAATCAGGTATGAGTTGAATTTGCTTTGAACCTACTGA-3'